The following is an entry in ClinVar:

NM_006885.4(ZFHX3):c.8821_8823delinsTGG (p.Gly2941Trp)

Genes: ZFHX3 (zinc finger homeobox 3; minus strand), ZFHX3-AS1 (ZFHX3 antisense RNA 1; plus strand). Cytogenetic location: 16q22.2.
Variant type: Indel.
Coding change: c.8821_8823delinsTGG on transcript NM_006885.4 (MANE Select); coding-DNA positions 8821 to 8823, GGA replaced by TGG.
Protein change: p.Gly2941Trp; replaces glycine 2941 with tryptophan.
Molecular consequence: missense variant.
Genome position (GRCh38, 1-based): chr16:72,793,859-72,793,861, TCC replaced by CCA on the plus strand (GGA replaced by TGG on the coding strand, the reverse complement: ZFHX3 is on the minus strand). VCF-style: chr16-72793859-TCC-CCA. GRCh37 (hg19) VCF-style: chr16-72827758-TCC-CCA.
Other names: c.6079_6081delinsTGG, p.Gly2027Trp (NM_001164766.2); c.8821_8823delinsTGG, p.Gly2941Trp (NM_001386735.1); short protein forms G2027W, G2941W.
Identifiers: ClinVar variation 4074649 (VCV004074649.1).

ClinVar aggregate classification (germline): Uncertain significance (1 of 4 stars; one submission).

Submission:

GeneDx
Classification: Uncertain significance. Last evaluated: 2025-02-06. Review status: criteria provided, single submitter. Criteria: GeneDx Variant Classification Process June 2021. Collection method: clinical testing. Allele origin: germline. Affected: yes.
Comment: In silico analysis supports a deleterious effect on protein structure/function; Has not been previously published as pathogenic or benign to our knowledge